The following is an entry in ClinVar:

ClinVar aggregate classification (germline): Pathogenic (1 of 4 stars; one submission).

Conditions:
Cardiovascular phenotype. Identifiers: MedGen CN230736.
Hereditary cancer-predisposing syndrome. Also called: Hereditary neoplastic syndrome; Neoplastic Syndromes, Hereditary; Tumor predisposition; Hereditary Cancer Syndrome. Identifiers: Orphanet 140162, MedGen C0027672, MeSH D009386, MONDO:0015356.

Submission:

Ambry Genetics
Classification: Pathogenic for Cardiovascular phenotype; Hereditary cancer-predisposing syndrome. Last evaluated: 2025-08-08. Review status: criteria provided, single submitter. Criteria: Ambry Variant Classification Scheme 2023. Collection method: clinical testing. Allele origin: germline.
Comment: The c.2038_2041dupTGCC pathogenic mutation, located in coding exon 18 of the NF1 gene, results from a duplication of TGCC at nucleotide position 2038, causing a translational frameshift with a predicted alternate stop codon (p.R681Lfs*20). This variant is considered to be rare based on population cohorts in the Genome Aggregation Database (gnomAD). This alteration is expected to result in loss of function by premature protein truncation or nonsense-mediated mRNA decay. As such, this alteration is interpreted as a disease-causing mutation.

NM_001042492.3(NF1):c.2038_2041dup (p.Arg681fs)

Gene: NF1 (neurofibromin 1; plus strand). Cytogenetic location: 17q11.2.
Variant type: Duplication.
Coding change: c.2038_2041dup on transcript NM_001042492.3 (MANE Select); coding-DNA positions 2038 to 2041, 4 bases duplicated (TGCC; older notation c.2038_2041dupTGCC).
Protein change: p.Arg681fs; shifts the reading frame from arginine 681.
Molecular consequence: frameshift variant.
Genome position (GRCh38, 1-based): chr17:31,226,471-31,226,474, TGCC duplicated. VCF-style (leftmost placement, unchanged base first): chr17-31226470-T-TTGCC. GRCh37 (hg19) VCF-style: chr17-29553488-T-TTGCC.
Other names: c.2038_2041dupTGCC (NM_000267.3); c.2038_2041dup, p.Arg681fs (NM_000267.4); short protein forms R681fs.
Identifiers: ClinVar variation 4119133 (VCV004119133.1).